The following is an entry in ClinVar:

NM_018060.4(IARS2):c.959T>C (p.Val320Ala)

Gene: IARS2 (isoleucyl-tRNA synthetase 2, mitochondrial; plus strand). Cytogenetic location: 1q41.
Variant type: single nucleotide variant.
Coding change: c.959T>C on transcript NM_018060.4 (MANE Select); coding-DNA position 959, T replaced by C.
Protein change: p.Val320Ala; replaces valine 320 with alanine.
Molecular consequence: missense variant.
Genome position (GRCh38, 1-based): chr1:220,103,455, T>C. VCF-style: chr1-220103455-T-C. GRCh37 (hg19) VCF-style: chr1-220276797-T-C.
Other names: c.959T>C (NM_018060.3); short protein forms V320A.
Identifiers: ClinVar variation 2180612 (VCV002180612.2), dbSNP rs148461080, ClinGen allele CA1401270.

ClinVar aggregate classification (germline): Uncertain significance. Review status: criteria provided, multiple submitters, no conflicts (2 of 4 stars). 2 submissions from 2 submitters: Uncertain significance (2). Last evaluated 2022-03-28.

Conditions:
Inborn genetic diseases. Identifiers: MedGen C0950123, MeSH D030342.

Allele frequency attached by ClinVar (database versions not stated): gnomAD 0.00008; gnomAD exomes 0.00009; ExAC 0.00011; TOPMed 0.00011; ESP Exome Variant Server 0.00015.
gnomAD v4.1: 138 of 1,591,764 alleles (0.0087%); highest among the groups gnomAD compares: Non-Finnish European, 0.011%; no homozygotes.

Submissions (2):

Labcorp Genetics (formerly Invitae), Labcorp
Classification: Uncertain significance. Last evaluated: 2022-03-28. Review status: criteria provided, single submitter. Criteria: Invitae Variant Classification Sherloc (09022015). Collection method: clinical testing. Allele origin: germline.
Comment: This sequence change replaces valine, which is neutral and non-polar, with alanine, which is neutral and non-polar, at codon 320 of the IARS2 protein (p.Val320Ala). This variant is present in population databases (rs148461080, gnomAD 0.01%). This variant has not been reported in the literature in individuals affected with IARS2-related conditions. Algorithms developed to predict the effect of missense changes on protein structure and function (SIFT, PolyPhen-2, Align-GVGD) all suggest that this variant is likely to be disruptive. In summary, the available evidence is currently insufficient to determine the role of this variant in disease. Therefore, it has been classified as a Variant of Uncertain Significance.

Ambry Genetics
Classification: Uncertain significance for Inborn genetic diseases. Last evaluated: 2021-10-27. Review status: criteria provided, single submitter. Criteria: Ambry Variant Classification Scheme 2023. Collection method: clinical testing. Allele origin: germline.